The following is an entry in ClinVar:

NM_006005.3(WFS1):c.1290G>A (p.Ser430=)

Gene: WFS1 (wolframin ER transmembrane glycoprotein; plus strand). Cytogenetic location: 4p16.1.
Variant type: single nucleotide variant.
Coding change: c.1290G>A on transcript NM_006005.3 (MANE Select); coding-DNA position 1290, G replaced by A.
Protein change: p.Ser430=; no amino-acid change (serine 430 retained).
Molecular consequence: synonymous variant.
Genome position (GRCh38, 1-based): chr4:6,301,085, G>A. VCF-style: chr4-6301085-G-A. GRCh37 (hg19) VCF-style: chr4-6302812-G-A.
Other names: c.1290G>A, p.Ser430= (NM_001145853.1).
Identifiers: ClinVar variation 228233 (VCV000228233.17), dbSNP rs752100338, ClinGen allele CA2839297.
Genomic context (GRCh38, chr4:6,301,085, plus strand): 5'-CTCTGTCTTCTTCGTCATCTTCTCCTTCCCCATCGCCAGCAAGGACTGCATCCCCTGCTC[G>A]GAGCTGGCTGTCATCACCGGCTTCTTTACCGTGACCAGCTACCTGAGCCTGAGCACCCAT-3'
Protein context (NP_005996.2, residues 420-440): PIASKDCIPC[Ser430=]ELAVITGFFT

ClinVar aggregate classification (germline): Benign/Likely benign. Review status: criteria provided, multiple submitters, no conflicts (2 of 4 stars). 3 submissions from 3 submitters: Benign (1); Likely benign (2). Last evaluated 2022-09-12.

Conditions:
Wolfram syndrome 1 (WFS1). Identifiers: Orphanet 3463, MedGen C4551693, MONDO:0009101, OMIM 222300.

Allele frequency attached by ClinVar (database versions not stated): gnomAD exomes 0.00001; TOPMed 0.00001; ExAC 0.00002; gnomAD 0.00002.
gnomAD v4.1: 19 of 1,613,870 alleles (0.0012%); highest among the groups gnomAD compares: Non-Finnish European, 0.0013%; no homozygotes.

Submissions (3):

Labcorp Genetics (formerly Invitae), Labcorp
Classification: Likely benign. Last evaluated: 2022-09-12. Review status: criteria provided, single submitter. Criteria: Invitae Variant Classification Sherloc (09022015). Collection method: clinical testing. Allele origin: germline.

Laboratory for Molecular Medicine, Mass General Brigham Personalized Medicine
Classification: Likely benign. Last evaluated: 2015-11-09. Review status: criteria provided, single submitter. Criteria: LMM Criteria. Collection method: clinical testing. Allele origin: germline. Observed: 1 variant allele.
Comment: p.Ser430Ser in exon 8 of WFS1: This variant is not expected to have clinical si gnificance because it does not alter an amino acid residue and it is not located within the splice consensus sequence It been identified in 2/66730 European ch romosomes by the Exome Aggregation Consortium (ExAC. org; dbSNP rs752100338).

Clinical Genomics, Uppaluri K&H Personalized Medicine Clinic
Classification: Benign for Wolfram syndrome 1. Review status: criteria provided, single submitter. Criteria: K & H Uppaluri Personalized Medicine Clinic Variant Classification & Assertion Criteria_Updated V.1. Collection method: research. Allele origin: unknown. Inheritance: Autosomal recessive inheritance.
Comment: Potent mutations in WFS1 gene are associated with Wolfram's syndrome, an autosomal recessive condition, which cause diabetes mellitus, diabetes insipidus, deafness and optic atrophy. However no sufficient evidence is found to ascertain the role of this particular variant rs752100338 in Wolfram's syndrome yet.

Literature cited by the submitters: PubMed 21602428 (cited by Laboratory for Molecular Medicine, Mass General Brigham Personalized Medicine); PubMed 21446023 (cited by Laboratory for Molecular Medicine, Mass General Brigham Personalized Medicine); PubMed 20738327 (cited by Clinical Genomics, Uppaluri K&H Personalized Medicine Clinic); PubMed 33879153 (cited by Clinical Genomics, Uppaluri K&H Personalized Medicine Clinic); PubMed 12955714 (cited by Clinical Genomics, Uppaluri K&H Personalized Medicine Clinic); PubMed 18060660 (cited by Clinical Genomics, Uppaluri K&H Personalized Medicine Clinic); PubMed 20301750 (cited by Clinical Genomics, Uppaluri K&H Personalized Medicine Clinic); PubMed 17603484 (cited by Clinical Genomics, Uppaluri K&H Personalized Medicine Clinic).